The following is an entry in ClinVar:

ClinVar aggregate classification (germline): Likely pathogenic (1 of 4 stars; one submission).

Submission:

Dasa
Classification: Likely pathogenic. Last evaluated: 2025-07-09. Review status: criteria provided, single submitter. Criteria: DASA Assertion Criteria. Collection method: clinical testing. Allele origin: germline.
Comment: NM_020719.3(PRR12):c.1541_1560del (p.Tyr514Phefs*38) is a frameshift variant in PRR12 predicted to alter the reading frame and introduce a premature termination codon and is predicted to result in an absent or altered protein product. Loss of function is an established disease mechanism for PRR12 (PMID: 33824499; PMID: 33314030; PMID: 29556724). Also, this variant is absent from population databases. Based on the currently available evidence, this variant is classified as likely pathogenic.

Literature cited by the submitters: PubMed 33824499; PubMed 33314030; PubMed 29556724.

NM_020719.3(PRR12):c.1541_1560del (p.Tyr514fs)

Gene: PRR12 (proline rich 12; plus strand). Cytogenetic location: 19q13.33.
Variant type: Deletion.
Coding change: c.1541_1560del on transcript NM_020719.3 (MANE Select); coding-DNA positions 1541 to 1560, 20 bases deleted (ACCCAGGGCCAGCCGCCCAC).
Protein change: p.Tyr514fs; shifts the reading frame from tyrosine 514.
Molecular consequence: frameshift variant.
Genome position (GRCh38, 1-based): chr19:49,595,876-49,595,895, ACCCAGGGCCAGCCGCCCAC deleted. VCF-style (leftmost placement, unchanged base first): chr19-49595875-TACCCAGGGCCAGCCGCCCAC-T. GRCh37 (hg19) VCF-style: chr19-50099132-TACCCAGGGCCAGCCGCCCAC-T.
Other names: short protein forms Y514fs.
Identifiers: ClinVar variation 4886591 (VCV004886591.2).
Genomic context (GRCh38, chr19:49,595,875, plus strand): 5'-TGTCAGAGCTACTCCCCGGACCAGCTGCAGGGGCAGCTGTATGGGGTGCAGGGCGAGCCA[TACCCAGGGCCAGCCGCCCAC>T]TCCCAGGGGCTGCCCACAGCCAGCCCCTCGCTCAGCTACAGTACCGGCCATTCCCCAGCG-3'